The following is an entry in ClinVar:

ClinVar aggregate classification (germline): Benign. Review status: criteria provided, single submitter (1 of 4 stars). 2 submissions from 2 submitters: Benign (1). 1 of the submissions does not count toward it. Last evaluated 2018-06-29.

Conditions:
CMIP-related disorder. Also called: CMIP-related condition.

Allele frequency attached by ClinVar (database versions not stated): gnomAD exomes 0.00079; ExAC 0.00093; 1000 Genomes Project 0.00160; 1000 Genomes Project 30x 0.00187; gnomAD 0.00228 and 0.00249; TOPMed 0.00260; ESP Exome Variant Server 0.00298.
gnomAD v4.1: 955 of 1,582,068 alleles (0.06%); highest among the groups gnomAD compares: African/African-American, 0.82%; 1 homozygote.

Submissions (2):

Labcorp Genetics (formerly Invitae), Labcorp
Classification: Benign. Last evaluated: 2018-06-29. Review status: criteria provided, single submitter. Criteria: Invitae Variant Classification Sherloc (09022015). Collection method: clinical testing. Allele origin: germline.

PreventionGenetics, part of Exact Sciences
Classification: Likely benign for CMIP-related condition. Last evaluated: 2019-06-17. Review status: no assertion criteria provided. Collection method: clinical testing. Allele origin: germline. Not counted in ClinVar's aggregate classification.
Comment: This variant is classified as likely benign based on ACMG/AMP sequence variant interpretation guidelines (Richards et al. 2015 PMID: 25741868, with internal and published modifications).

NM_198390.3(CMIP):c.1368C>T (p.Tyr456=)

Gene: CMIP (c-Maf inducing protein; plus strand). Cytogenetic location: 16q23.3.
Variant type: single nucleotide variant.
Coding change: c.1368C>T on transcript NM_198390.3 (MANE Select); coding-DNA position 1368, C replaced by T.
Protein change: p.Tyr456=; no amino-acid change (tyrosine 456 retained).
Molecular consequence: synonymous variant.
Genome position (GRCh38, 1-based): chr16:81,678,608, C>T. VCF-style: chr16-81678608-C-T. GRCh37 (hg19) VCF-style: chr16-81712213-C-T.
Other names: c.1086C>T, p.Tyr362= (NM_030629.3).
Identifiers: ClinVar variation 735185 (VCV000735185.5), dbSNP rs34119643, ClinGen allele CA8192401.